The following is an entry in ClinVar:

NM_004637.6(RAB7A):c.-97C>G

Gene: RAB7A (RAB7A, member RAS oncogene family; plus strand). Cytogenetic location: 3q21.3.
Variant type: single nucleotide variant.
Coding change: c.-97C>G on transcript NM_004637.6 (MANE Select); 97 bases upstream of the start codon, C replaced by G.
Molecular consequence: 5 prime UTR variant.
Genome position (GRCh38, 1-based): chr3:128,726,271, C>G. VCF-style: chr3-128726271-C-G. GRCh37 (hg19) VCF-style: chr3-128445114-C-G.
Identifiers: ClinVar variation 343154 (VCV000343154.7), dbSNP rs141622970, ClinGen allele CA10614789.

ClinVar aggregate classification (germline): Benign/Likely benign. Review status: criteria provided, multiple submitters, no conflicts (2 of 4 stars). 2 submissions from 2 submitters: Benign (1); Likely benign (1). Last evaluated 2020-11-18.

Conditions:
Charcot-Marie-Tooth disease type 2B (CMT2B). Also called: Charcot-Marie-Tooth Neuropathy Type 2B; CHARCOT-MARIE-TOOTH DISEASE, AXONAL, TYPE 2B; CHARCOT-MARIE-TOOTH DISEASE, AUTOSOMAL DOMINANT, TYPE 2B; HEREDITARY MOTOR AND SENSORY NEUROPATHY IIB. Identifiers: Orphanet 99936, MedGen C1833219, MONDO:0010949, OMIM 600882.

Allele frequency attached by ClinVar (database versions not stated): gnomAD exomes 0.00126; gnomAD 0.01396 and 0.01485; TOPMed 0.01612; 1000 Genomes Project 0.01637; 1000 Genomes Project 30x 0.01765.
gnomAD v4.1: 2,102 of 153,076 alleles (1.4%); highest among the groups gnomAD compares: African/African-American, 4.8%; 45 homozygotes.

Submissions (2):

GeneDx
Classification: Likely benign. Last evaluated: 2020-11-18. Review status: criteria provided, single submitter. Criteria: GeneDx Variant Classification Process June 2021. Collection method: clinical testing. Allele origin: germline. Affected: yes.

Illumina Laboratory Services, Illumina
Classification: Benign for Charcot-Marie-Tooth disease type 2B. Last evaluated: 2018-01-12. Review status: criteria provided, single submitter. Criteria: ICSL Variant Classification Criteria 13 December 2019. Collection method: clinical testing. Allele origin: germline.
Comment: This variant was observed in the ICSL laboratory as part of a predisposition screen in an ostensibly healthy population. It had not been previously curated by ICSL or reported in the Human Gene Mutation Database (HGMD: prior to June 1st, 2018), and was therefore a candidate for classification through an automated scoring system. Utilizing variant allele frequency, disease prevalence and penetrance estimates, and inheritance mode, an automated score was calculated to assess if this variant is too frequent to cause the disease. Based on the score and internal cut-off values, a variant classified as benign is not then subjected to further curation. The score for this variant resulted in a classification of benign for this disease.